The following is an entry in ClinVar:

NM_015450.3(POT1):c.1325A>G (p.Asn442Ser)

Gene: POT1 (protection of telomeres 1; minus strand). Cytogenetic location: 7q31.33.
Variant type: single nucleotide variant.
Coding change: c.1325A>G on transcript NM_015450.3 (MANE Select); coding-DNA position 1325, A replaced by G.
Protein change: p.Asn442Ser; replaces asparagine 442 with serine.
Molecular consequence: missense variant. On other transcripts: non-coding transcript variant (3).
Genome position (GRCh38, 1-based): chr7:124,841,017, T>C on the plus strand (A>G on the coding strand, the complement: POT1 is on the minus strand). VCF-style: chr7-124841017-T-C. GRCh37 (hg19) VCF-style: chr7-124481071-T-C.
Other names: c.1325A>G (NM_015450.2); c.932A>G, p.Asn311Ser (NM_001042594.2); short protein forms N311S, N442S.
Identifiers: ClinVar variation 1050984 (VCV001050984.10), dbSNP rs1195670739, ClinGen allele CA369066835.

ClinVar aggregate classification (germline): Conflicting classifications of pathogenicity. Review status: criteria provided, conflicting classifications (1 of 4 stars). 2 submissions from 2 submitters: Uncertain significance (1); Likely benign (1). Last evaluated 2025-01-31.

Conditions:
Tumor predisposition syndrome 3 (TPDS3). Also called: Melanoma, cutaneous malignant, susceptibility to, 10; Glioma susceptibility 9; LONG TELOMERE SYNDROME, POT1-RELATED; POT1 Tumor Predisposition. Identifiers: Orphanet 618, MedGen C4014476, MONDO:0014368, OMIM 615848.
Hereditary cancer-predisposing syndrome. Also called: Neoplastic Syndromes, Hereditary; Hereditary Cancer Syndrome; Hereditary neoplastic syndrome; Tumor predisposition. Identifiers: Orphanet 140162, MedGen C0027672, MeSH D009386, MONDO:0015356.

Allele frequency attached by ClinVar (database versions not stated): TOPMed below 0.00001.

Submissions (2):

Labcorp Genetics (formerly Invitae), Labcorp
Classification: Uncertain significance for Tumor predisposition syndrome 3. Last evaluated: 2025-01-31. Review status: criteria provided, single submitter. Criteria: Invitae Variant Classification Sherloc (09022015). Collection method: clinical testing. Allele origin: germline.
Comment: This sequence change replaces asparagine, which is neutral and polar, with serine, which is neutral and polar, at codon 442 of the POT1 protein (p.Asn442Ser). This variant is not present in population databases (gnomAD no frequency). This variant has not been reported in the literature in individuals affected with POT1-related conditions. ClinVar contains an entry for this variant (Variation ID: 1050984). Invitae Evidence Modeling of protein sequence and biophysical properties (such as structural, functional, and spatial information, amino acid conservation, physicochemical variation, residue mobility, and thermodynamic stability) indicates that this missense variant is not expected to disrupt POT1 protein function with a negative predictive value of 80%. In summary, the available evidence is currently insufficient to determine the role of this variant in disease. Therefore, it has been classified as a Variant of Uncertain Significance.

Ambry Genetics
Classification: Likely benign for Hereditary cancer-predisposing syndrome. Last evaluated: 2024-11-05. Review status: criteria provided, single submitter. Criteria: Ambry Variant Classification Scheme 2023. Collection method: clinical testing. Allele origin: germline.